The following is an entry in ClinVar:

NM_003072.5(SMARCA4):c.1787C>A (p.Thr596Lys)

Gene: SMARCA4 (SWI/SNF related BAF chromatin remodeling complex subunit ATPase 4; plus strand). Cytogenetic location: 19p13.2.
Variant type: single nucleotide variant.
Coding change: c.1787C>A on transcript NM_003072.5 (MANE Select); coding-DNA position 1787, C replaced by A.
Protein change: p.Thr596Lys; replaces threonine 596 with lysine.
Molecular consequence: missense variant. On other transcripts: non-coding transcript variant (1).
Genome position (GRCh38, 1-based): chr19:10,996,519, C>A. VCF-style: chr19-10996519-C-A. GRCh37 (hg19) VCF-style: chr19-11107195-C-A.
Other names: c.1787C>A, p.Thr596Lys (NM_001128844.3, NM_001128845.2, NM_001128846.2 and 5 more transcripts); short protein forms T596K.
Identifiers: ClinVar variation 1483329 (VCV001483329.6), dbSNP rs779952581, ClinGen allele CA404064813.

ClinVar aggregate classification (germline): Uncertain significance (1 of 4 stars; one submission).

Conditions:
Rhabdoid tumor predisposition syndrome 2 (RTPS2). Identifiers: Orphanet 231108, Orphanet 69077, MedGen C2750074, MONDO:0013224, OMIM 613325.

Submission:

Labcorp Genetics (formerly Invitae), Labcorp
Classification: Uncertain significance for Rhabdoid tumor predisposition syndrome 2. Last evaluated: 2021-10-21. Review status: criteria provided, single submitter. Criteria: Invitae Variant Classification Sherloc (09022015). Collection method: clinical testing. Allele origin: germline.
Comment: This sequence change replaces threonine with lysine at codon 596 of the SMARCA4 protein (p.Thr596Lys). The threonine residue is moderately conserved and there is a moderate physicochemical difference between threonine and lysine. This variant is not present in population databases (ExAC no frequency). This variant has not been reported in the literature in individuals affected with SMARCA4-related conditions. Algorithms developed to predict the effect of missense changes on protein structure and function are either unavailable or do not agree on the potential impact of this missense change (SIFT: "Deleterious"; PolyPhen-2: "Benign"; Align-GVGD: "Class C0"). In summary, the available evidence is currently insufficient to determine the role of this variant in disease. Therefore, it has been classified as a Variant of Uncertain Significance.